The following is an entry in ClinVar:

NM_002693.3(POLG):c.2432A>G (p.Gln811Arg)

Gene: POLG (DNA polymerase gamma, catalytic subunit; minus strand). Cytogenetic location: 15q26.1.
Variant type: single nucleotide variant.
Coding change: c.2432A>G on transcript NM_002693.3 (MANE Select); coding-DNA position 2432, A replaced by G.
Protein change: p.Gln811Arg; replaces glutamine 811 with arginine.
Molecular consequence: missense variant.
Genome position (GRCh38, 1-based): chr15:89,322,010, T>C on the plus strand (A>G on the coding strand, the complement: POLG is on the minus strand). VCF-style: chr15-89322010-T-C. GRCh37 (hg19) VCF-style: chr15-89865241-T-C.
Other names: c.2432A>G, p.Gln811Arg (NM_001126131.2); short protein forms Q811R.
Identifiers: ClinVar variation 3609727 (VCV003609727.3).

ClinVar aggregate classification (germline): Uncertain significance. Review status: criteria provided, multiple submitters, no conflicts (2 of 4 stars). 2 submissions from 2 submitters: Uncertain significance (2). Last evaluated 2025-03-16.

Conditions:
Progressive sclerosing poliodystrophy (MTDPS4A). Also called: ALPERS PROGRESSIVE INFANTILE POLIODYSTROPHY; NEURONAL DEGENERATION OF CHILDHOOD WITH LIVER DISEASE, PROGRESSIVE; Alpers Syndrome; ALPERS DIFFUSE DEGENERATION OF CEREBRAL GRAY MATTER WITH HEPATIC CIRRHOSIS; Alpers-Huttenlocher Syndrome; Mitochondrial DNA depletion syndrome 4A (Alpers type). Identifiers: Orphanet 726, MedGen C0205710, MONDO:0008758, OMIM 203700.

Submissions (2):

GeneDx
Classification: Uncertain significance. Last evaluated: 2025-03-16. Review status: criteria provided, single submitter. Criteria: GeneDx Variant Classification Process June 2021. Collection method: clinical testing. Allele origin: germline. Affected: yes.
Comment: Identified in the heterozygous state in an individual with early onset cataract, premature ovarian failure, early onset Parkinson disease, fatigue and myopathy (PMID: 31843010); Not observed at significant frequency in large population cohorts (gnomAD); In silico analysis supports that this missense variant has a deleterious effect on protein structure/function; This variant is associated with the following publications: (PMID: 31843010)

Labcorp Genetics (formerly Invitae), Labcorp
Classification: Uncertain significance for Progressive sclerosing poliodystrophy. Last evaluated: 2024-11-18. Review status: criteria provided, single submitter. Criteria: Invitae Variant Classification Sherloc (09022015). Collection method: clinical testing. Allele origin: germline.
Comment: This sequence change replaces glutamine, which is neutral and polar, with arginine, which is basic and polar, at codon 811 of the POLG protein (p.Gln811Arg). This variant is not present in population databases (gnomAD no frequency). This missense change has been observed in individual(s) with progressive external ophthalmoplegia and parkinsonism (PMID: 31843010). Invitae Evidence Modeling of protein sequence and biophysical properties (such as structural, functional, and spatial information, amino acid conservation, physicochemical variation, residue mobility, and thermodynamic stability) indicates that this missense variant is expected to disrupt POLG protein function with a positive predictive value of 95%. Experimental studies have shown that this missense change affects POLG function (PMID: 31843010). In summary, the available evidence is currently insufficient to determine the role of this variant in disease. Therefore, it has been classified as a Variant of Uncertain Significance.

Literature cited by the submitters: PubMed 31843010 (cited by Labcorp Genetics (formerly Invitae), Labcorp).